The following is an entry in ClinVar:

NM_001330260.2(SCN8A):c.3509A>G (p.Lys1170Arg)

Gene: SCN8A (sodium voltage-gated channel alpha subunit 8; plus strand). Cytogenetic location: 12q13.13.
Variant type: single nucleotide variant.
Coding change: c.3509A>G on transcript NM_001330260.2 (MANE Select); coding-DNA position 3509, A replaced by G.
Protein change: p.Lys1170Arg; replaces lysine 1170 with arginine.
Molecular consequence: missense variant.
Genome position (GRCh38, 1-based): chr12:51,770,547, A>G. VCF-style: chr12-51770547-A-G. GRCh37 (hg19) VCF-style: chr12-52164331-A-G.
Other names: c.3509A>G, p.Lys1170Arg (NM_001177984.3, NM_001369788.1, NM_014191.4); short protein forms K1170R.
Identifiers: ClinVar variation 1018421 (VCV001018421.11), dbSNP rs774163610, ClinGen allele CA6571628.

ClinVar aggregate classification (germline): Uncertain significance. Review status: criteria provided, multiple submitters, no conflicts (2 of 4 stars). 2 submissions from 2 submitters: Uncertain significance (2). Last evaluated 2026-04-01.

Conditions:
Early-infantile DEE. Also called: Early infantile epileptic encephalopathy; Early infantile epileptic encephalopathy with suppression bursts; Ohtahara syndrome. Identifiers: Orphanet 1934, MedGen C0393706, MONDO:0800491.

Allele frequency attached by ClinVar (database versions not stated): gnomAD exomes below 0.00001 and 0.00001; ExAC 0.00001.
gnomAD v4.1: 8 of 1,609,638 alleles (0.0005%); highest among the groups gnomAD compares: Non-Finnish European, 0.00068%; no homozygotes.

Submissions (2):

CeGaT Center for Human Genetics Tuebingen
Classification: Uncertain significance. Last evaluated: 2026-04-01. Review status: criteria provided, single submitter. Criteria: CeGaT Center For Human Genetics Tuebingen Variant Classification Criteria Version 2. Collection method: clinical testing. Allele origin: germline. Affected: yes. Observed: 1 variant allele.

Labcorp Genetics (formerly Invitae), Labcorp
Classification: Uncertain significance for Early-infantile DEE. Last evaluated: 2020-06-22. Review status: criteria provided, single submitter. Criteria: Invitae Variant Classification Sherloc (09022015). Collection method: clinical testing. Allele origin: germline.
Comment: This sequence change replaces lysine with arginine at codon 1170 of the SCN8A protein (p.Lys1170Arg). The lysine residue is highly conserved and there is a small physicochemical difference between lysine and arginine. This variant is present in population databases (rs774163610, ExAC 0.003%). This variant has not been reported in the literature in individuals with SCN8A-related conditions. Algorithms developed to predict the effect of missense changes on protein structure and function are either unavailable or do not agree on the potential impact of this missense change (SIFT: "Deleterious"; PolyPhen-2: "Benign"; Align-GVGD: "Class C0"). In summary, the available evidence is currently insufficient to determine the role of this variant in disease. Therefore, it has been classified as a Variant of Uncertain Significance.